The following is an entry in ClinVar:

ClinVar aggregate classification (germline): Uncertain significance (1 of 4 stars; one submission).

Submission:

Center for Pediatric Genomic Medicine, Children's Mercy Hospital and Clinics
Classification: Uncertain significance. Last evaluated: 2014-10-29. Review status: criteria provided, single submitter. Criteria: ACMG Guidelines, 2015. Collection method: clinical testing. Allele origin: germline.
ClinVar note: Converted during submission from Uncertain Significance to Uncertain significance.

NC_012920.1(MT-RNR2):m.1836A>G

Gene: MT-RNR2 (mitochondrially encoded 16S RNA; plus strand).
Variant type: single nucleotide variant.
Genome position: chrM-1836-A-G.
Identifiers: ClinVar variation 235585 (VCV000235585.3), dbSNP rs878853073, ClinGen allele CA10581368.